The following is an entry in ClinVar:

NM_001289125.3(IFNAR2):c.1451C>T (p.Pro484Leu)

Genes: IFNAR2 (interferon alpha and beta receptor subunit 2; plus strand), IFNAR2-IL10RB (IFNAR2-IL10RB readthrough; plus strand). Cytogenetic location: 21q22.11.
Variant type: single nucleotide variant.
Coding change: c.1451C>T on transcript NM_001289125.3 (MANE Select); coding-DNA position 1451, C replaced by T.
Protein change: p.Pro484Leu; replaces proline 484 with leucine.
Molecular consequence: missense variant. On other transcripts: 3 prime UTR variant (5), intron variant (1).
Genome position (GRCh38, 1-based): chr21:33,263,403, C>T. VCF-style: chr21-33263403-C-T. GRCh37 (hg19) VCF-style: chr21-34635708-C-T.
Other names: c.*687C>T (NM_000874.5, NM_207584.3); c.*600C>T (NM_001289126.2, NM_001289128.2); c.*826C>T (NM_001385054.1); c.1451C>T, p.Pro484Leu (NM_207585.3); c.1318+133C>T (NM_001385055.1); short protein forms P484L.
Identifiers: ClinVar variation 1373848 (VCV001373848.7), dbSNP rs779856537, ClinGen allele CA10005991.

ClinVar aggregate classification (germline): Uncertain significance (1 of 4 stars; one submission).

Allele frequency attached by ClinVar (database versions not stated): gnomAD 0.00002; gnomAD exomes 0.00002 and 0.00007; ExAC 0.00007; TOPMed 0.00011.
gnomAD v4.1: 35 of 1,613,978 alleles (0.0022%); highest among the groups gnomAD compares: Admixed American, 0.017%; no homozygotes.

Submission:

Labcorp Genetics (formerly Invitae), Labcorp
Classification: Uncertain significance. Last evaluated: 2024-01-15. Review status: criteria provided, single submitter. Criteria: Invitae Variant Classification Sherloc (09022015). Collection method: clinical testing. Allele origin: germline.
Comment: This sequence change replaces proline, which is neutral and non-polar, with leucine, which is neutral and non-polar, at codon 484 of the IFNAR2 protein (p.Pro484Leu). This variant is present in population databases (rs779856537, gnomAD 0.02%). This variant has not been reported in the literature in individuals affected with IFNAR2-related conditions. ClinVar contains an entry for this variant (Variation ID: 1373848). Algorithms developed to predict the effect of missense changes on protein structure and function output the following: SIFT: "Not Available"; PolyPhen-2: "Benign"; Align-GVGD: "Not Available". The leucine amino acid residue is found in multiple mammalian species, which suggests that this missense change does not adversely affect protein function. In summary, the available evidence is currently insufficient to determine the role of this variant in disease. Therefore, it has been classified as a Variant of Uncertain Significance.